The following is an entry in ClinVar:

NM_004714.3(DYRK1B):c.1799G>A (p.Arg600His)

Gene: DYRK1B (dual specificity tyrosine phosphorylation regulated kinase 1B; minus strand). Cytogenetic location: 19q13.2.
Variant type: single nucleotide variant.
Coding change: c.1799G>A on transcript NM_004714.3 (MANE Select); coding-DNA position 1799, G replaced by A.
Protein change: p.Arg600His; replaces arginine 600 with histidine.
Molecular consequence: missense variant.
Genome position (GRCh38, 1-based): chr19:39,825,806, C>T on the plus strand (G>A on the coding strand, the complement: DYRK1B is on the minus strand). VCF-style: chr19-39825806-C-T. GRCh37 (hg19) VCF-style: chr19-40316446-C-T.
Other names: c.1679G>A, p.Arg560His (NM_006483.3); c.1715G>A, p.Arg572His (NM_006484.3); short protein forms R600H, R560H, R572H.
Identifiers: ClinVar variation 3721065 (VCV003721065.2).

ClinVar aggregate classification (germline): Uncertain significance (1 of 4 stars; one submission).

gnomAD v4.1: 15 of 1,591,678 alleles (0.00094%); highest among the groups gnomAD compares: African/African-American, 0.004%; no homozygotes.

Submission:

Labcorp Genetics (formerly Invitae), Labcorp
Classification: Uncertain significance. Last evaluated: 2024-03-27. Review status: criteria provided, single submitter. Criteria: Invitae Variant Classification Sherloc (09022015). Collection method: clinical testing. Allele origin: germline.
Comment: This sequence change replaces arginine, which is basic and polar, with histidine, which is basic and polar, at codon 600 of the DYRK1B protein (p.Arg600His). The frequency data for this variant in the population databases is considered unreliable, as metrics indicate poor data quality at this position in the gnomAD database. This variant has not been reported in the literature in individuals affected with DYRK1B-related conditions. Advanced modeling of protein sequence and biophysical properties (such as structural, functional, and spatial information, amino acid conservation, physicochemical variation, residue mobility, and thermodynamic stability) performed at Invitae indicates that this missense variant is not expected to disrupt DYRK1B protein function with a negative predictive value of 95%. In summary, the available evidence is currently insufficient to determine the role of this variant in disease. Therefore, it has been classified as a Variant of Uncertain Significance.